The following is an entry in ClinVar:

NM_001643.2(APOA2):c.301T>G (p.Ter101Gly)

Gene: APOA2 (apolipoprotein A2; minus strand). Cytogenetic location: 1q23.3.
Variant type: single nucleotide variant.
Coding change: c.301T>G on transcript NM_001643.2 (MANE Select); coding-DNA position 301, T replaced by G.
Protein change: p.Ter101Gly.
Molecular consequence: stop lost.
Genome position (GRCh38, 1-based): chr1:161,222,407, A>C on the plus strand (T>G on the coding strand, the complement: APOA2 is on the minus strand). VCF-style: chr1-161222407-A-C. GRCh37 (hg19) VCF-style: chr1-161192197-A-C.
Other names: p.*101Glye*t*21.
Identifiers: ClinVar variation 4541826 (VCV004541826.1).

ClinVar aggregate classification (germline): Likely pathogenic (1 of 4 stars; one submission).

Submission:

Mayo Clinic Laboratories, Mayo Clinic
Classification: Likely pathogenic. Last evaluated: 2024-12-17. Review status: criteria provided, single submitter. Criteria: ACMG Guidelines, 2015. Collection method: clinical testing. Allele origin: germline. Observed: 1 variant allele.
Comment: PP4, PM2_supporting, PM4, PM5

Literature cited by the submitters: PubMed 11401442; PubMed 12787390; PubMed 16504984; PubMed 27540044; PubMed 29270531; PubMed 31668567.